The following is an entry in ClinVar:

ClinVar aggregate classification (germline): Uncertain significance (1 of 4 stars; one submission).

Submission:

Labcorp Genetics (formerly Invitae), Labcorp
Classification: Uncertain significance. Last evaluated: 2022-11-08. Review status: criteria provided, single submitter. Criteria: Invitae Variant Classification Sherloc (09022015). Collection method: clinical testing. Allele origin: germline.
Comment: This sequence change affects the initiator methionine of the ELOVL4 mRNA. The next in-frame methionine is located at codon 43. This variant is not present in population databases (gnomAD no frequency). This variant has not been reported in the literature in individuals affected with ELOVL4-related conditions. Experimental studies and prediction algorithms are not available or were not evaluated, and the functional significance of this variant is currently unknown. In summary, the available evidence is currently insufficient to determine the role of this variant in disease. Therefore, it has been classified as a Variant of Uncertain Significance.

NM_022726.4(ELOVL4):c.1A>G (p.Met1Val)

Gene: ELOVL4 (ELOVL fatty acid elongase 4; minus strand). Cytogenetic location: 6q14.1.
Variant type: single nucleotide variant.
Coding change: c.1A>G on transcript NM_022726.4 (MANE Select); coding-DNA position 1, A replaced by G.
Protein change: p.Met1Val; changes the start codon (methionine 1).
Molecular consequence: missense variant, initiator codon variant.
Genome position (GRCh38, 1-based): chr6:79,947,279, T>C on the plus strand (A>G on the coding strand, the complement: ELOVL4 is on the minus strand). VCF-style: chr6-79947279-T-C. GRCh37 (hg19) VCF-style: chr6-80656996-T-C.
Other names: short protein forms M1V.
Identifiers: ClinVar variation 2995781 (VCV002995781.3), dbSNP rs2533011703, ClinGen allele CA364658934.